The following is an entry in ClinVar:

NM_000214.3(JAG1):c.844T>G (p.Cys282Gly)

Gene: JAG1 (jagged canonical Notch ligand 1; minus strand). Cytogenetic location: 20p12.2.
Variant type: single nucleotide variant.
Coding change: c.844T>G on transcript NM_000214.3 (MANE Select); coding-DNA position 844, T replaced by G.
Protein change: p.Cys282Gly; replaces cysteine 282 with glycine.
Molecular consequence: missense variant.
Genome position (GRCh38, 1-based): chr20:10,652,510, A>C on the plus strand (T>G on the coding strand, the complement: JAG1 is on the minus strand). VCF-style: chr20-10652510-A-C. GRCh37 (hg19) VCF-style: chr20-10633158-A-C.
Other names: short protein forms C282G.
Identifiers: ClinVar variation 3573133 (VCV003573133.2).

Conditions:
Arteriohepatic dysplasia. Also called: Alagille Syndrome. Identifiers: Orphanet 52, MedGen C0085280, MeSH D016738, MONDO:0007318.

Submission:

Gilbert/Spinner Lab, Children's Hospital of Philadelphia
No classification provided (evidence only). Condition: Alagille syndrome. Review status: no classification provided. Collection method: research. Allele origin: not applicable. Functional consequence: functionally_abnormal.
ClinVar note: "not provided" was previously submitted as the classification for the variant. However, the classification appeared to be based only on an observation of functional data so it was converted to no classification on 2025-07-30.